The following is an entry in ClinVar:

ClinVar aggregate classification (germline): Uncertain significance (1 of 4 stars; one submission).

Conditions:
Autosomal recessive limb-girdle muscular dystrophy type 2P. Also called: MUSCULAR DYSTROPHY-DYSTROGLYCANOPATHY, LIMB-GIRDLE, DAG1-RELATED; MUSCULAR DYSTROPHY, LIMB-GIRDLE, TYPE 2P; Limb-Girdle Muscular Dystrophy Type 9C. Identifiers: Orphanet 280333, MedGen C4511963, MONDO:0013440, OMIM 613818.
Muscular dystrophy-dystroglycanopathy (congenital with brain and eye anomalies), type A9. Also called: Muscular dystrophy-dystroglycanopathy (congenital with brain and eye anomalies), type a, 9; WALKER-WARBURG SYNDROME OR MUSCLE-EYE BRAIN DISEASE, DAG1-RELATED. Identifiers: Orphanet 370997, Orphanet 899, MedGen C4225291, MONDO:0014683, OMIM 616538.

Submission:

Labcorp Genetics (formerly Invitae), Labcorp
Classification: Uncertain significance for Autosomal recessive limb-girdle muscular dystrophy type 2P; Muscular dystrophy-dystroglycanopathy (congenital with brain and eye anomalies), type A9. Last evaluated: 2022-05-02. Review status: criteria provided, single submitter. Criteria: Invitae Variant Classification Sherloc (09022015). Collection method: clinical testing. Allele origin: germline.
Comment: Algorithms developed to predict the effect of missense changes on protein structure and function are either unavailable or do not agree on the potential impact of this missense change (SIFT: "Tolerated"; PolyPhen-2: "Possibly Damaging"; Align-GVGD: "Class C0"). This variant has not been reported in the literature in individuals affected with DAG1-related conditions. This variant is not present in population databases (gnomAD no frequency). This sequence change replaces threonine, which is neutral and polar, with alanine, which is neutral and non-polar, at codon 734 of the DAG1 protein (p.Thr734Ala). In summary, the available evidence is currently insufficient to determine the role of this variant in disease. Therefore, it has been classified as a Variant of Uncertain Significance.

NM_004393.6(DAG1):c.2200A>G (p.Thr734Ala)

Gene: DAG1 (dystroglycan 1; plus strand). Cytogenetic location: 3p21.31.
Variant type: single nucleotide variant.
Coding change: c.2200A>G on transcript NM_004393.6 (MANE Select); coding-DNA position 2200, A replaced by G.
Protein change: p.Thr734Ala; replaces threonine 734 with alanine.
Molecular consequence: missense variant.
Genome position (GRCh38, 1-based): chr3:49,532,711, A>G. VCF-style: chr3-49532711-A-G. GRCh37 (hg19) VCF-style: chr3-49570144-A-G.
Other names: c.2200A>G, p.Thr734Ala (NM_001165928.4, NM_001177634.3, NM_001177635.3 and 9 more transcripts); short protein forms T734A.
Identifiers: ClinVar variation 1941717 (VCV001941717.5), dbSNP rs762713364, ClinGen allele CA352797008.